The following is an entry in ClinVar:

ClinVar aggregate classification (germline): Uncertain significance (1 of 4 stars; one submission).

Submission:

Labcorp Genetics (formerly Invitae), Labcorp
Classification: Uncertain significance. Last evaluated: 2022-11-05. Review status: criteria provided, single submitter. Criteria: Invitae Variant Classification Sherloc (09022015). Collection method: clinical testing. Allele origin: germline.
Comment: In summary, the available evidence is currently insufficient to determine the role of this variant in disease. Therefore, it has been classified as a Variant of Uncertain Significance. Algorithms developed to predict the effect of missense changes on protein structure and function (SIFT, PolyPhen-2, Align-GVGD) all suggest that this variant is likely to be disruptive. This variant has not been reported in the literature in individuals affected with TNNI3K-related conditions. This variant is not present in population databases (gnomAD no frequency). This sequence change replaces glutamic acid, which is acidic and polar, with glutamine, which is neutral and polar, at codon 662 of the TNNI3K protein (p.Glu662Gln).

NM_015978.3(TNNI3K):c.1984G>C (p.Glu662Gln)

Genes: FPGT-TNNI3K (FPGT-TNNI3K readthrough; plus strand), TNNI3K (TNNI3 interacting kinase; plus strand). Cytogenetic location: 1p31.1.
Variant type: single nucleotide variant.
Coding change: c.1984G>C on transcript NM_015978.3 (MANE Select); coding-DNA position 1984, G replaced by C.
Protein change: p.Glu662Gln; replaces glutamic acid 662 with glutamine.
Molecular consequence: missense variant.
Genome position (GRCh38, 1-based): chr1:74,439,595, G>C. VCF-style: chr1-74439595-G-C. GRCh37 (hg19) VCF-style: chr1-74905279-G-C.
Other names: c.2287G>C, p.Glu763Gln (NM_001112808.3, NM_001199327.2); short protein forms E662Q, E763Q.
Identifiers: ClinVar variation 2812179 (VCV002812179.3), dbSNP rs747300364, ClinGen allele CA340789979.